The following is an entry in ClinVar:

ClinVar aggregate classification (germline): Uncertain significance. Review status: criteria provided, multiple submitters, no conflicts (2 of 4 stars). 2 submissions from 2 submitters: Uncertain significance (2). Last evaluated 2023-08-31.

Conditions:
Hereditary cancer-predisposing syndrome. Also called: Neoplastic Syndromes, Hereditary; Tumor predisposition; Hereditary Cancer Syndrome; Hereditary neoplastic syndrome. Identifiers: Orphanet 140162, MedGen C0027672, MeSH D009386, MONDO:0015356.

Allele frequency attached by ClinVar (database versions not stated): TOPMed below 0.00001.

Submissions (2):

Women's Health and Genetics/Laboratory Corporation of America, LabCorp
Classification: Uncertain significance. Last evaluated: 2023-08-31. Review status: criteria provided, single submitter. Criteria: LabCorp Variant Classification Summary - May 2015. Collection method: clinical testing. Allele origin: germline.

Ambry Genetics
Classification: Uncertain significance for Hereditary cancer-predisposing syndrome. Last evaluated: 2017-05-23. Review status: criteria provided, single submitter. Criteria: Ambry Variant Classification Scheme 2023. Collection method: clinical testing. Allele origin: germline.
Comment: The p.T90A variant (also known as c.268A>G), located in coding exon 3 of the NBN gene, results from an A to G substitution at nucleotide position 268. The threonine at codon 90 is replaced by alanine, an amino acid with similar properties. This amino acid position is poorly conserved in available vertebrate species. In addition, this alteration is predicted to be tolerated by in silico analysis. Since supporting evidence is limited at this time, the clinical significance of this alteration remains unclear.

NM_002485.5(NBN):c.268A>G (p.Thr90Ala)

Gene: NBN (nibrin; minus strand). Cytogenetic location: 8q21.3.
Variant type: single nucleotide variant.
Coding change: c.268A>G on transcript NM_002485.5 (MANE Select); coding-DNA position 268, A replaced by G.
Protein change: p.Thr90Ala; replaces threonine 90 with alanine.
Molecular consequence: missense variant.
Genome position (GRCh38, 1-based): chr8:89,981,427, T>C on the plus strand (A>G on the coding strand, the complement: NBN is on the minus strand). VCF-style: chr8-89981427-T-C. GRCh37 (hg19) VCF-style: chr8-90993655-T-C.
Other names: c.22A>G, p.Thr8Ala (NM_001024688.3); short protein forms T90A, T8A.
Identifiers: ClinVar variation 483994 (VCV000483994.6), dbSNP rs1554568315, ClinGen allele CA371662444.